The following is an entry in ClinVar:

NM_001267550.2(TTN):c.32080G>C (p.Ala10694Pro)

Gene: TTN (titin; minus strand). Cytogenetic location: 2q31.2.
Variant type: single nucleotide variant.
Coding change: c.32080G>C on transcript NM_001267550.2 (MANE Select); coding-DNA position 32080, G replaced by C.
Protein change: p.Ala10694Pro; replaces alanine 10694 with proline.
Molecular consequence: missense variant. On other transcripts: intron variant (3).
Genome position (GRCh38, 1-based): chr2:178,689,068, C>G on the plus strand (G>C on the coding strand, the complement: TTN is on the minus strand). VCF-style: chr2-178689068-C-G. GRCh37 (hg19) VCF-style: chr2-179553795-C-G.
Other names: c.28348G>C, p.Ala9450Pro (NM_133378.4); c.13283-46751G>C (NM_003319.4); c.13859-46751G>C (NM_133437.4); c.13658-46751G>C (NM_133432.3); c.31129G>C, p.Ala10377Pro (NM_001256850.1); short protein forms A10377P, A10694P, A9450P.
Identifiers: ClinVar variation 2651671 (VCV002651671.24), dbSNP rs756672871, ClinGen allele CA1998754.

ClinVar aggregate classification (germline): Uncertain significance (1 of 4 stars; one submission).

gnomAD v4.1: 5 of 1,583,032 alleles (0.00032%); highest among the groups gnomAD compares: Admixed American, 0.0035%; no homozygotes.

Submission:

CeGaT Center for Human Genetics Tuebingen
Classification: Uncertain significance. Last evaluated: 2022-05-01. Review status: criteria provided, single submitter. Criteria: CeGaT Center For Human Genetics Tuebingen Variant Classification Criteria Version 2. Collection method: clinical testing. Allele origin: germline. Affected: yes. Observed: 1 variant allele.
Comment: TTN: PM2, BP4